The following is an entry in ClinVar:

NM_004333.6(BRAF):c.589G>A (p.Val197Ile)

Gene: BRAF (B-Raf proto-oncogene, serine/threonine kinase; minus strand). Cytogenetic location: 7q34.
Variant type: single nucleotide variant.
Coding change: c.589G>A on transcript NM_004333.6 (MANE Select); coding-DNA position 589, G replaced by A.
Protein change: p.Val197Ile; replaces valine 197 with isoleucine.
Molecular consequence: missense variant.
Genome position (GRCh38, 1-based): chr7:140,808,911, C>T on the plus strand (G>A on the coding strand, the complement: BRAF is on the minus strand). VCF-style: chr7-140808911-C-T. GRCh37 (hg19) VCF-style: chr7-140508711-C-T.
Other names: c.589G>A, p.Val197Ile (NM_001354609.2, NM_001374244.1, NM_001374258.1 and 5 more transcripts); c.487G>A, p.Val163Ile (NM_001378470.1); c.433G>A, p.Val145Ile (NM_001378472.1, NM_001378473.1); c.325G>A, p.Val109Ile (NM_001378475.1); short protein forms V197I, V163I, V109I, V145I.
Identifiers: ClinVar variation 4765604 (VCV004765604.1).

ClinVar aggregate classification (germline): Uncertain significance (1 of 4 stars; one submission).

Conditions:
RASopathy. Also called: rasopathies; Noonan spectrum disorder. Identifiers: Orphanet 536391, MedGen C5555857, MONDO:0021060.

Submission:

Labcorp Genetics (formerly Invitae), Labcorp
Classification: Uncertain significance for RASopathy. Last evaluated: 2025-08-30. Review status: criteria provided, single submitter. Criteria: Invitae Variant Classification Sherloc (09022015). Collection method: clinical testing. Allele origin: germline.
Comment: This sequence change replaces valine, which is neutral and non-polar, with isoleucine, which is neutral and non-polar, at codon 197 of the BRAF protein (p.Val197Ile). This variant is not present in population databases (gnomAD no frequency). This variant has not been reported in the literature in individuals affected with BRAF-related conditions. Invitae Evidence Modeling of protein sequence and biophysical properties (such as structural, functional, and spatial information, amino acid conservation, physicochemical variation, residue mobility, and thermodynamic stability) indicates that this missense variant is expected to disrupt BRAF protein function with a positive predictive value of 95%. In summary, the available evidence is currently insufficient to determine the role of this variant in disease. Therefore, it has been classified as a Variant of Uncertain Significance.